The following is an entry in ClinVar:

NC_000009.11:g.(?_87285149)_(87360008_?)del

Gene: NTRK2 (neurotrophic receptor tyrosine kinase 2; plus strand). Cytogenetic location: 9q21.33.
Variant type: Deletion.
Identifiers: ClinVar variation 3245341 (VCV003245341.1).

ClinVar aggregate classification (germline): Uncertain significance (1 of 4 stars; one submission).

Submission:

Labcorp Genetics (formerly Invitae), Labcorp
Classification: Uncertain significance. Last evaluated: 2023-03-21. Review status: criteria provided, single submitter. Criteria: Invitae Variant Classification Sherloc (09022015). Collection method: clinical testing. Allele origin: unknown.
Comment: In summary, the available evidence is currently insufficient to determine the role of this variant in disease. Therefore, it has been classified as a Variant of Uncertain Significance. This variant has not been reported in the literature in individuals affected with NTRK2-related conditions. This variant is a gross deletion of the genomic region encompassing exon(s) 4-13 of the NTRK2 gene, which includes the initiator codon. This deletion extends beyond the assayed region for this gene and therefore may encompass additional genes. It is expected to result in an absent or disrupted protein product. However, the current clinical and genetic evidence is not sufficient to establish whether loss-of-function variants in NTRK2 cause disease.